The following is an entry in ClinVar:

ClinVar aggregate classification (germline): Uncertain significance. Review status: criteria provided, multiple submitters, no conflicts (2 of 4 stars). 2 submissions from 2 submitters: Uncertain significance (2). Last evaluated 2025-12-20.

Conditions:
Brugada syndrome. Also called: Sudden Unexplained Death Syndrome; Sudden Unexplained Nocturnal Death Syndrome (SUNDS); Sudden unexplained nocturnal death syndrome; Sudden unexpected nocturnal death syndrome. Identifiers: Orphanet 130, MedGen C1142166, MONDO:0015263.
Cardiovascular phenotype. Identifiers: MedGen CN230736.

gnomAD v4.1: 35 of 1,613,544 alleles (0.0022%); highest among the groups gnomAD compares: African/African-American, 0.0027%; no homozygotes.

Submissions (2):

Labcorp Genetics (formerly Invitae), Labcorp
Classification: Uncertain significance for Brugada syndrome. Last evaluated: 2025-12-20. Review status: criteria provided, single submitter. Criteria: Invitae Variant Classification Sherloc (09022015). Collection method: clinical testing. Allele origin: germline.
Comment: This sequence change replaces arginine, which is basic and polar, with glutamine, which is neutral and polar, at codon 1263 of the SCN10A protein (p.Arg1263Gln). This variant is present in population databases (no rsID available, gnomAD 0.007%). This variant has not been reported in the literature in individuals affected with SCN10A-related conditions. ClinVar contains an entry for this variant (Variation ID: 1734901). Invitae Evidence Modeling of protein sequence and biophysical properties (such as structural, functional, and spatial information, amino acid conservation, physicochemical variation, residue mobility, and thermodynamic stability) indicates that this missense variant is expected to disrupt SCN10A protein function with a positive predictive value of 95%. In summary, the available evidence is currently insufficient to determine the role of this variant in disease. Therefore, it has been classified as a Variant of Uncertain Significance.

Ambry Genetics
Classification: Uncertain significance for Cardiovascular phenotype. Last evaluated: 2024-03-10. Review status: criteria provided, single submitter. Criteria: Ambry Variant Classification Scheme 2023. Collection method: clinical testing. Allele origin: germline.
Comment: The p.R1263Q variant (also known as c.3788G>A), located in coding exon 21 of the SCN10A gene, results from a G to A substitution at nucleotide position 3788. The arginine at codon 1263 is replaced by glutamine, an amino acid with highly similar properties. This amino acid position is conserved. In addition, this alteration is predicted to be deleterious by in silico analysis. Since supporting evidence is limited at this time, the clinical significance of this alteration remains unclear.

NM_006514.4(SCN10A):c.3788G>A (p.Arg1263Gln)

Gene: SCN10A (sodium voltage-gated channel alpha subunit 10; minus strand). Cytogenetic location: 3p22.2.
Variant type: single nucleotide variant.
Coding change: c.3788G>A on transcript NM_006514.4 (MANE Select); coding-DNA position 3788, G replaced by A.
Protein change: p.Arg1263Gln; replaces arginine 1263 with glutamine.
Molecular consequence: missense variant.
Genome position (GRCh38, 1-based): chr3:38,713,974, C>T on the plus strand (G>A on the coding strand, the complement: SCN10A is on the minus strand). VCF-style: chr3-38713974-C-T. GRCh37 (hg19) VCF-style: chr3-38755465-C-T.
Other names: c.3785G>A, p.Arg1262Gln (NM_001293306.2); c.3494G>A, p.Arg1165Gln (NM_001293307.2); short protein forms R1165Q, R1263Q, R1262Q.
Identifiers: ClinVar variation 1734901 (VCV001734901.3), dbSNP rs754277304, ClinGen allele CA72951109.
Genomic context (GRCh38, chr3:38,713,974, plus strand): 5'-CACCGTGCCTGGCCAGATGAGAGAAGTTTTGAGATCAGACTTACCCGCATGCCTTCAAAT[C>T]GAGAAAGAGCCCGCAGTGGCCGCAGAGCGCGAAGGGTTCGAAGGGCTTTGATGGGAGCCA-3'
Protein context (NP_006505.4, residues 1253-1273): RALRPLRALS[Arg1263Gln]FEGMRVVVDA